The following is an entry in ClinVar:

ClinVar aggregate classification (germline): Uncertain significance (1 of 4 stars; one submission).

Allele frequency attached by ClinVar (database versions not stated): gnomAD exomes 0.00001; ExAC 0.00002; gnomAD 0.00003; TOPMed 0.00005; ESP Exome Variant Server 0.00008.
gnomAD v4.1: 19 of 1,613,966 alleles (0.0012%); highest among the groups gnomAD compares: African/African-American, 0.017%; no homozygotes.

Submission:

Labcorp Genetics (formerly Invitae), Labcorp
Classification: Uncertain significance. Last evaluated: 2022-05-20. Review status: criteria provided, single submitter. Criteria: Invitae Variant Classification Sherloc (09022015). Collection method: clinical testing. Allele origin: germline.
Comment: In summary, the available evidence is currently insufficient to determine the role of this variant in disease. Therefore, it has been classified as a Variant of Uncertain Significance. Algorithms developed to predict the effect of missense changes on protein structure and function output the following: SIFT: "Deleterious"; PolyPhen-2: "Benign"; Align-GVGD: "Class C0". The valine amino acid residue is found in multiple mammalian species, which suggests that this missense change does not adversely affect protein function. This variant has not been reported in the literature in individuals affected with TRAK1-related conditions. This variant is present in population databases (rs372377789, gnomAD 0.02%). This sequence change replaces alanine, which is neutral and non-polar, with valine, which is neutral and non-polar, at codon 932 of the TRAK1 protein (p.Ala932Val).

NM_001042646.3(TRAK1):c.2795C>T (p.Ala932Val)

Gene: TRAK1 (trafficking kinesin protein 1; plus strand). Cytogenetic location: 3p22.1.
Variant type: single nucleotide variant.
Coding change: c.2795C>T on transcript NM_001042646.3 (MANE Select); coding-DNA position 2795, C replaced by T.
Protein change: p.Ala932Val; replaces alanine 932 with valine.
Molecular consequence: missense variant. On other transcripts: 3 prime UTR variant (1), non-coding transcript variant (1).
Genome position (GRCh38, 1-based): chr3:42,223,670, C>T. VCF-style: chr3-42223670-C-T. GRCh37 (hg19) VCF-style: chr3-42265162-C-T.
Other names: c.2420C>T, p.Ala807Val (NM_001349245.1); c.2732C>T, p.Ala911Val (NM_001349246.2); c.*749C>T (NM_001349247.2); c.2510C>T, p.Ala837Val (NM_001349248.1); c.2573C>T, p.Ala858Val (NM_001349249.1); c.2621C>T, p.Ala874Val (NM_001410741.1); short protein forms A858V, A911V, A932V, A807V, A837V, A874V.
Identifiers: ClinVar variation 1932134 (VCV001932134.5), dbSNP rs372377789, ClinGen allele CA2333934.